The following is an entry in ClinVar:

ClinVar aggregate classification (germline): Uncertain significance. Review status: criteria provided, multiple submitters, no conflicts (2 of 4 stars). 3 submissions from 3 submitters: Uncertain significance (3). Last evaluated 2025-01-18.

Conditions:
Inborn genetic diseases. Identifiers: MedGen C0950123, MeSH D030342.
Spinocerebellar ataxia type 34 (SCA34). Identifiers: Orphanet 1955, MedGen C1851481, MONDO:0007574, OMIM 133190.

Allele frequency attached by ClinVar (database versions not stated): gnomAD exomes below 0.00001 and 0.00001; ExAC 0.00001.
gnomAD v4.1: 6 of 1,614,222 alleles (0.00037%); highest among the groups gnomAD compares: African/African-American, 0.0013%; no homozygotes.

Submissions (3):

Ambry Genetics
Classification: Uncertain significance for Inborn genetic diseases. Last evaluated: 2025-01-18. Review status: criteria provided, single submitter. Criteria: Ambry Variant Classification Scheme 2023. Collection method: clinical testing. Allele origin: germline.

Neuberg Centre For Genomic Medicine, NCGM
Classification: Uncertain significance for Spinocerebellar ataxia type 34. Last evaluated: 2023-06-22. Review status: criteria provided, single submitter. Criteria: ACMG Guidelines, 2015. Collection method: clinical testing. Allele origin: germline. Inheritance: Autosomal dominant inheritance. Affected: yes.
Comment: The missense variant c.766A>G p.Ile256Val in the ELOVL4 gene has not been reported previously as a pathogenic variant nor as a benign variant, to our knowledge. This variant is reported with the allele frequency 0.0007% in the gnomAD Exomes. The amino acid Ile at position 256 is changed to a Val changing protein sequence and it might alter its composition and physico-chemical properties. This variant has been reported to the ClinVar database as Uncertain Significance. However, no details are available for independent assessment. Computational evidence Polyphen, SIFT and MutationTaster predicts conflicting evidence on protein structure and function for this variant. The amino acid change p.Ile256Val in ELOVL4 is predicted as conserved by GERP++ and PhyloP across 100 vertebrates. For these reasons, this variant has been classified as Uncertain Significance.

Labcorp Genetics (formerly Invitae), Labcorp
Classification: Uncertain significance. Last evaluated: 2022-09-07. Review status: criteria provided, single submitter. Criteria: Invitae Variant Classification Sherloc (09022015). Collection method: clinical testing. Allele origin: germline.
Comment: This sequence change replaces isoleucine, which is neutral and non-polar, with valine, which is neutral and non-polar, at codon 256 of the ELOVL4 protein (p.Ile256Val). This variant is present in population databases (rs775476015, gnomAD no frequency). This variant has not been reported in the literature in individuals affected with ELOVL4-related conditions. ClinVar contains an entry for this variant (Variation ID: 1435121). Algorithms developed to predict the effect of missense changes on protein structure and function output the following: SIFT: "Tolerated"; PolyPhen-2: "Benign"; Align-GVGD: "Class C0". The valine amino acid residue is found in multiple mammalian species, which suggests that this missense change does not adversely affect protein function. Algorithms developed to predict the effect of sequence changes on RNA splicing suggest that this variant may create or strengthen a splice site. In summary, the available evidence is currently insufficient to determine the role of this variant in disease. Therefore, it has been classified as a Variant of Uncertain Significance.

NM_022726.4(ELOVL4):c.766A>G (p.Ile256Val)

Gene: ELOVL4 (ELOVL fatty acid elongase 4; minus strand). Cytogenetic location: 6q14.1.
Variant type: single nucleotide variant.
Coding change: c.766A>G on transcript NM_022726.4 (MANE Select); coding-DNA position 766, A replaced by G.
Protein change: p.Ile256Val; replaces isoleucine 256 with valine.
Molecular consequence: missense variant.
Genome position (GRCh38, 1-based): chr6:79,916,787, T>C on the plus strand (A>G on the coding strand, the complement: ELOVL4 is on the minus strand). VCF-style: chr6-79916787-T-C. GRCh37 (hg19) VCF-style: chr6-80626504-T-C.
Other names: c.766A>G (NM_022726.3); short protein forms I256V.
Identifiers: ClinVar variation 1435121 (VCV001435121.10), dbSNP rs775476015, ClinGen allele CA3901464.